The following is an entry in ClinVar:

NM_016222.4(DDX41):c.1555C>T (p.Arg519Trp)

Gene: DDX41 (DEAD-box helicase 41; minus strand). Cytogenetic location: 5q35.3.
Variant type: single nucleotide variant.
Coding change: c.1555C>T on transcript NM_016222.4 (MANE Select); coding-DNA position 1555, C replaced by T.
Protein change: p.Arg519Trp; replaces arginine 519 with tryptophan.
Molecular consequence: missense variant.
Genome position (GRCh38, 1-based): chr5:177,512,388, G>A on the plus strand (C>T on the coding strand, the complement: DDX41 is on the minus strand). VCF-style: chr5-177512388-G-A. GRCh37 (hg19) VCF-style: chr5-176939389-G-A.
Other names: c.1177C>T, p.Arg393Trp (NM_001321732.2, NM_001321830.2); short protein forms R393W, R519W.
Identifiers: ClinVar variation 4056211 (VCV004056211.2).

ClinVar aggregate classification (germline): Conflicting classifications of pathogenicity. Review status: criteria provided, conflicting classifications (1 of 4 stars). 2 submissions from 2 submitters: Likely pathogenic (1); Uncertain significance (1). Last evaluated 2025-07-28.

Conditions:
DDX41-related hematologic malignancy predisposition syndrome. Also called: DDX41-Associated Familial Myelodysplastic Syndrome and Acute Myeloid Leukemia; Myeloproliferative/lymphoproliferative neoplasms, familial (multiple types), susceptibility to. Identifiers: Orphanet 488647, MedGen C4225174, MONDO:0014809, OMIM 616871.
Inborn genetic diseases. Identifiers: MedGen C0950123, MeSH D030342.

gnomAD v4.1: 8 of 1,613,890 alleles (0.0005%); highest among the groups gnomAD compares: Non-Finnish European, 0.00068%; no homozygotes.

Submissions (2):

Ambry Genetics
Classification: Uncertain significance for Inborn genetic diseases. Last evaluated: 2025-07-28. Review status: criteria provided, single submitter. Criteria: Ambry Variant Classification Scheme 2023. Collection method: clinical testing. Allele origin: germline.
Comment: The p.R519W variant (also known as c.1555C>T), located in coding exon 15 of the DDX41 gene, results from a C to T substitution at nucleotide position 1555. The arginine at codon 519 is replaced by tryptophan, an amino acid with dissimilar properties. This amino acid position is highly conserved in available vertebrate species. In silico splice site analysis predicts that this alteration will not have any significant effect on splicing. In addition, this alteration is predicted to be deleterious by in silico analysis. Based on the available evidence, the clinical significance of this variant remains unclear.

Molecular Pathology, Peter Maccallum Cancer Centre
Classification: Likely pathogenic for DDX41-related hematologic malignancy predisposition syndrome. Last evaluated: 2025-01-08. Review status: criteria provided, single submitter. Criteria: ACMG Guidelines, 2015. Collection method: clinical testing. Allele origin: germline.